The following is an entry in ClinVar:

NM_004960.4(FUS):c.336-3T>C

Gene: FUS (FUS RNA binding protein; plus strand). Cytogenetic location: 16p11.2.
Variant type: single nucleotide variant.
Coding change: c.336-3T>C on transcript NM_004960.4 (MANE Select); 3 bases into the intron before coding-DNA position 336, T replaced by C.
Molecular consequence: intron variant.
Genome position (GRCh38, 1-based): chr16:31,184,206, T>C. VCF-style: chr16-31184206-T-C. GRCh37 (hg19) VCF-style: chr16-31195527-T-C.
Other names: c.336-3T>C (NM_001170937.1); c.333-3T>C (NM_001170634.1).
Identifiers: ClinVar variation 1730641 (VCV001730641.2), dbSNP rs762287304, ClinGen allele CA8023601.
Genomic context (GRCh38, chr16:31,184,206, plus strand): 5'-AAGTGAAAGGAAATTGGGGGCTATGCTGGGATTGTGATTGTGTTTTTTGTTTGTTTTCCC[T>C]AGTTACGGTAGCAGTTCTCAGAGCAGCAGCTATGGGCAGCCCCAGAGTGGGAGCTACAGC-3'

ClinVar aggregate classification (germline): Uncertain significance (1 of 4 stars; one submission).

Conditions:
Inborn genetic diseases. Identifiers: MedGen C0950123, MeSH D030342.

Allele frequency attached by ClinVar (database versions not stated): ExAC 0.00001.
gnomAD v4.1: 5 of 1,614,168 alleles (0.00031%); highest among the groups gnomAD compares: South Asian, 0.0044%; no homozygotes.

Submission:

Ambry Genetics
Classification: Uncertain significance for Inborn genetic diseases. Last evaluated: 2020-03-25. Review status: criteria provided, single submitter. Criteria: Ambry Variant Classification Scheme 2023. Collection method: clinical testing. Allele origin: germline.
Comment: The c.336-3T>C intronic variant results from a T to C substitution 3 nucleotides upstream from coding exon 5 in the FUS gene. This nucleotide position is well conserved in available vertebrate species. Using the BDGP and ESEfinder splice site prediction tools, this alteration is not predicted to have any significant effect on this splice acceptor site; however, direct evidence is unavailable. Since supporting evidence is limited at this time, the clinical significance of this alteration remains unclear.